The following is an entry in ClinVar:

NM_004385.5(VCAN):c.7066G>A (p.Gly2356Arg)

Genes: VCAN (versican; plus strand), VCAN-AS1 (VCAN antisense RNA 1; minus strand). Cytogenetic location: 5q14.3.
Variant type: single nucleotide variant.
Coding change: c.7066G>A on transcript NM_004385.5 (MANE Select); coding-DNA position 7066, G replaced by A.
Protein change: p.Gly2356Arg; replaces glycine 2356 with arginine.
Molecular consequence: missense variant. On other transcripts: intron variant (2).
Genome position (GRCh38, 1-based): chr5:83,540,069, G>A. VCF-style: chr5-83540069-G-A. GRCh37 (hg19) VCF-style: chr5-82835888-G-A.
Other names: c.7066G>A (NM_004385.4); c.4105G>A, p.Gly1369Arg (NM_001164097.2); c.4004-5468G>A (NM_001164098.2); c.1043-5468G>A (NM_001126336.3); short protein forms G1369R, G2356R.
Identifiers: ClinVar variation 1958379 (VCV001958379.6), dbSNP rs912315657, ClinGen allele CA121810677.
Genomic context (GRCh38, chr5:83,540,069, plus strand): 5'-TTAAGTGACACTGGAGCAGAAGGACCCACGGTGGCACCTCTCCCTTTCTCCACGGACATC[G>A]GACATCCTCAAAATCAGACTGTCAGGTGGGCAGAAGAAATCCAGACTAGTAGACCACAAA-3'
Protein context (NP_004376.2, residues 2346-2366): VAPLPFSTDI[Gly2356Arg]HPQNQTVRWA

ClinVar aggregate classification (germline): Uncertain significance. Review status: criteria provided, multiple submitters, no conflicts (2 of 4 stars). 2 submissions from 2 submitters: Uncertain significance (2). Last evaluated 2024-12-05.

Conditions:
Inborn genetic diseases. Identifiers: MedGen C0950123, MeSH D030342.

Allele frequency attached by ClinVar (database versions not stated): gnomAD exomes 0.00001.
gnomAD v4.1: 10 of 1,613,842 alleles (0.00062%); highest among the groups gnomAD compares: South Asian, 0.0022%; no homozygotes.

Submissions (2):

Ambry Genetics
Classification: Uncertain significance for Inborn genetic diseases. Last evaluated: 2024-12-05. Review status: criteria provided, single submitter. Criteria: Ambry Variant Classification Scheme 2023. Collection method: clinical testing. Allele origin: germline.

Labcorp Genetics (formerly Invitae), Labcorp
Classification: Uncertain significance. Last evaluated: 2024-11-05. Review status: criteria provided, single submitter. Criteria: Invitae Variant Classification Sherloc (09022015). Collection method: clinical testing. Allele origin: germline.
Comment: This sequence change replaces glycine, which is neutral and non-polar, with arginine, which is basic and polar, at codon 2356 of the VCAN protein (p.Gly2356Arg). This variant is present in population databases (no rsID available, gnomAD 0.004%). This variant has not been reported in the literature in individuals affected with VCAN-related conditions. ClinVar contains an entry for this variant (Variation ID: 1958379). An algorithm developed to predict the effect of missense changes on protein structure and function (PolyPhen-2) suggests that this variant is likely to be tolerated. In summary, the available evidence is currently insufficient to determine the role of this variant in disease. Therefore, it has been classified as a Variant of Uncertain Significance.